The following is an entry in ClinVar:

NM_015338.6(ASXL1):c.3196G>T (p.Val1066Leu)

Gene: ASXL1 (ASXL transcriptional regulator 1; plus strand). Cytogenetic location: 20q11.21.
Variant type: single nucleotide variant.
Coding change: c.3196G>T on transcript NM_015338.6 (MANE Select); coding-DNA position 3196, G replaced by T.
Protein change: p.Val1066Leu; replaces valine 1066 with leucine.
Molecular consequence: missense variant.
Genome position (GRCh38, 1-based): chr20:32,435,908, G>T. VCF-style: chr20-32435908-G-T. GRCh37 (hg19) VCF-style: chr20-31023711-G-T.
Other names: c.3013G>T, p.Val1005Leu (NM_001363734.1); short protein forms V1005L, V1066L.
Identifiers: ClinVar variation 4159055 (VCV004159055.1).

ClinVar aggregate classification (germline): Uncertain significance (1 of 4 stars; one submission).

Conditions:
Inborn genetic diseases. Identifiers: MedGen C0950123, MeSH D030342.

Submission:

Ambry Genetics
Classification: Uncertain significance for Inborn genetic diseases. Last evaluated: 2025-08-21. Review status: criteria provided, single submitter. Criteria: Ambry Variant Classification Scheme 2023. Collection method: clinical testing. Allele origin: germline.
Comment: The p.V1066L variant (also known as c.3196G>T), located in coding exon 13 of the ASXL1 gene, results from a G to T substitution at nucleotide position 3196. The valine at codon 1066 is replaced by leucine, an amino acid with highly similar properties. This amino acid position is conserved. In addition, this alteration is predicted to be tolerated by in silico analysis. Based on the available evidence, the clinical significance of this variant remains unclear.